The following is an entry in ClinVar:

ClinVar aggregate classification (germline): Conflicting classifications of pathogenicity. Review status: criteria provided, conflicting classifications (1 of 4 stars). 4 submissions from 4 submitters: Pathogenic (1); Likely pathogenic (1); Uncertain significance (1). 1 of the submissions does not count toward it. Last evaluated 2025-05-22.

Conditions:
Myofibromatosis, infantile, 1. Also called: Myofibromatosis, juvenile. Identifiers: Orphanet 2591, MedGen C4551572, MONDO:0009227, OMIM 228550.
PDGFRB-related disorder. Also called: PDGFRB-related condition.
Basal ganglia calcification, idiopathic, 4 (PFBC4). Also called: Familial Idiopathic Basal Ganglia Calcification 4; PRIMARY FAMILIAL BRAIN CALCIFICATION 4, AUTOSOMAL DOMINANT. Identifiers: Orphanet 1980, MedGen C3554321, MONDO:0014004, OMIM 615007.
Acroosteolysis-keloid-like lesions-premature aging syndrome. Also called: Premature aging syndrome, Penttinen type; Prematurely aged appearance, delayed bone maturation, acro-osteolysis, and brachydactyly; Progeroid syndrome, Penttinen type. Identifiers: Orphanet 363665, MedGen C1866182, MONDO:0011150, OMIM 601812.
Infantile myofibromatosis (IMF). Also called: Congenital generalized fibromatosis. Identifiers: Orphanet 2591, MedGen C0432284, MONDO:0016824.
Skeletal overgrowth-craniofacial dysmorphism-hyperelastic skin-white matter lesions syndrome. Also called: SKELETAL OVERGROWTH WITH FACIAL DYSMORPHISM, HYPERELASTIC SKIN, WHITE MATTER LESIONS, AND NEUROLOGIC DETERIORATION; Kosaki overgrowth syndrome. Identifiers: Orphanet 477831, MedGen C4225270, MONDO:0014704, OMIM 616592.

Allele frequency attached by ClinVar (database versions not stated): TOPMed below 0.00001.
gnomAD v4.1: 2 of 1,555,556 alleles (0.00013%); highest among the groups gnomAD compares: Non-Finnish European, 0.00018%; no homozygotes.

Submissions (4):

Labcorp Genetics (formerly Invitae), Labcorp
Classification: Pathogenic for Basal ganglia calcification, idiopathic, 4; Skeletal overgrowth-craniofacial dysmorphism-hyperelastic skin-white matter lesions syndrome; Infantile myofibromatosis; Acroosteolysis-keloid-like lesions-premature aging syndrome. Last evaluated: 2025-05-22. Review status: criteria provided, single submitter. Criteria: Invitae Variant Classification Sherloc (09022015). Collection method: clinical testing. Allele origin: germline.
Comment: This sequence change falls in intron 21 of the PDGFRB gene. It does not directly change the encoded amino acid sequence of the PDGFRB protein. This variant is present in population databases (rs201866603, gnomAD 0.007%). This variant has been observed in individual(s) with myofibromatosis (PMID: 39580648; internal data). It has also been observed to segregate with disease in related individuals. ClinVar contains an entry for this variant (Variation ID: 1486244). Algorithms developed to predict the effect of variants on gene product structure and function are not available or were not evaluated for this variant. Experimental studies have shown that this variant affects PDGFRB function (PMID: 39580648). Algorithms developed to predict the effect of sequence changes on RNA splicing suggest that this variant may disrupt the consensus splice site. For these reasons, this variant has been classified as Pathogenic.

PreventionGenetics, part of Exact Sciences
Classification: Likely pathogenic for PDGFRB-related condition. Last evaluated: 2024-12-13. Review status: criteria provided, single submitter. Criteria: ACMG Guidelines, 2015. Collection method: clinical testing. Allele origin: germline.
Comment: The PDGFRB c.2905-8G>A variant is predicted to interfere with splicing. This variant has been documented as a germline change in six patients with infantile myofibromatosis, of whom four also had a second somatic variant in PDGFRB (Boulouddnine et al. 2024. PubMed ID: 39580648). In three of these cases the variant was inherited from an unaffected or mildly affected parent, suggesting incomplete penetrance and variable expressivity (Boulouddnine et al. 2024. PubMed ID: 39580648). Functional studies demonstrated that this variant introduces a new acceptor splice in intron 21 resulting in an in-frame addition of two amino acids at the end of the kinase domain and causing a partial loss of function (Boulouddnine et al. 2024. PubMed ID: 39580648). This variant is reported in 0.0065% of alleles in individuals of European (Non-Finnish) descent in gnomAD. This variant is interpreted as likely pathogenic.

GeneDx
Classification: Uncertain significance. Last evaluated: 2024-10-16. Review status: criteria provided, single submitter. Criteria: GeneDx Variant Classification Process June 2021. Collection method: clinical testing. Allele origin: germline. Affected: yes.
Comment: Not observed at significant frequency in large population cohorts (gnomAD); In silico analysis supports a deleterious effect on splicing; Has not been previously published as pathogenic or benign to our knowledge

Demoulin lab, University of Louvain
Classification: Likely pathogenic for Myofibromatosis, infantile, 1. Last evaluated: 2024-04-23. Review status: no assertion criteria provided. Collection method: clinical testing. Allele origin: paternal, maternal, germline. Inheritance: Autosomal dominant inheritance. Affected: yes and no. Not counted in ClinVar's aggregate classification.
Comment: Germline mutation c.2905-8G>A, identified in six unrelated infants with myofibromatosis, introduces an alternative acceptor splice site within intron 21. This results in the insertion of six nucleotides into the PDGFRB transcript, adding two residues in frame at the end of the kinase domain, as confirmed by testing. Additional functional assessments (signaling Western blots and luciferase assays) indicated that this splice variant induces a partial loss of function. The variant is associated with a second gain-of-function somatic mutation.

Literature cited by the submitters: PubMed 39580648 (cited by Labcorp Genetics (formerly Invitae), Labcorp and Demoulin lab, University of Louvain).

NM_002609.4(PDGFRB):c.2905-8G>A

Gene: PDGFRB (platelet derived growth factor receptor beta; minus strand). Cytogenetic location: 5q32.
Variant type: single nucleotide variant.
Coding change: c.2905-8G>A on transcript NM_002609.4 (MANE Select); 8 bases into the intron before coding-DNA position 2905, G replaced by A.
Molecular consequence: intron variant.
Genome position (GRCh38, 1-based): chr5:150,117,858, C>T on the plus strand (G>A on the coding strand, the complement: PDGFRB is on the minus strand). VCF-style: chr5-150117858-C-T. GRCh37 (hg19) VCF-style: chr5-149497421-C-T.
Other names: c.2713-8G>A (NM_001355016.2); c.2422-8G>A (NM_001355017.2); c.2905-8G>A (NM_002609.3).
Identifiers: ClinVar variation 1486244 (VCV001486244.13), dbSNP rs201866603, ClinGen allele CA129098403.